The following is an entry in ClinVar:

NM_201384.3(PLEC):c.13195G>A (p.Glu4399Lys)

Gene: PLEC (plectin; minus strand). Cytogenetic location: 8q24.3.
Variant type: single nucleotide variant.
Coding change: c.13195G>A on transcript NM_201384.3 (MANE Select); coding-DNA position 13195, G replaced by A.
Protein change: p.Glu4399Lys; replaces glutamic acid 4399 with lysine.
Molecular consequence: missense variant.
Genome position (GRCh38, 1-based): chr8:143,916,626, C>T on the plus strand (G>A on the coding strand, the complement: PLEC is on the minus strand). VCF-style: chr8-143916626-C-T. GRCh37 (hg19) VCF-style: chr8-144990794-C-T.
Other names: c.13276G>A, p.Glu4426Lys (NM_000445.5); c.9895G>A, p.Glu3299Lys (NM_001410941.1); c.13153G>A, p.Glu4385Lys (NM_201378.4); c.13129G>A, p.Glu4377Lys (NM_201379.3); c.13606G>A, p.Glu4536Lys (NM_201380.4); c.13099G>A, p.Glu4367Lys (NM_201381.3); c.13195G>A, p.Glu4399Lys (NM_201382.4); c.13207G>A, p.Glu4403Lys (NM_201383.3); short protein forms E3299K, E4367K, E4377K, E4385K, E4399K, E4403K, E4426K, E4536K.
Identifiers: ClinVar variation 3763568 (VCV003763568.2).

ClinVar aggregate classification (germline): Uncertain significance (1 of 4 stars; one submission).

Conditions:
Epidermolysis bullosa simplex with nail dystrophy (EBS5D). Identifiers: MedGen C4225309, MONDO:0014661, OMIM 616487.
Epidermolysis bullosa simplex, Ogna type (EBS5A). Also called: EPIDERMOLYSIS BULLOSA SIMPLEX 5A, OGNA TYPE; Pidermolysis bullosa simplex 5A, Ogna type. Identifiers: Orphanet 79401, MedGen C0432317, MONDO:0007555, OMIM 131950.
Autosomal recessive limb-girdle muscular dystrophy type 2Q (LGMDR17). Also called: MUSCULAR DYSTROPHY, LIMB-GIRDLE, AUTOSOMAL RECESSIVE 17. Identifiers: Orphanet 254361, MedGen C3150989, MONDO:0013390, OMIM 613723.
Epidermolysis bullosa simplex 5B, with muscular dystrophy (EBS5B). Also called: EPIDERMOLYSIS BULLOSA SIMPLEX AND LIMB-GIRDLE MUSCULAR DYSTROPHY; Epidermolysis bullosa simplex with muscular dystrophy. Identifiers: Orphanet 257, MedGen C2931072, MONDO:0009181, OMIM 226670.
Epidermolysis bullosa simplex 5C, with pyloric atresia (EBS5C). Also called: PLEC1-Related Epidermolysis Bullosa with Pyloric Atresia; PLEC-Related Epidermolysis Bullosa with Pyloric Atresia; Epidermolysis bullosa simplex with pyloric atresia. Identifiers: Orphanet 158684, MedGen C2677349, MONDO:0012807, OMIM 612138.

gnomAD v4.1: 4 of 1,609,906 alleles (0.00025%); highest among the groups gnomAD compares: African/African-American, 0.0027%; no homozygotes.

Submission:

Labcorp Genetics (formerly Invitae), Labcorp
Classification: Uncertain significance for Autosomal recessive limb-girdle muscular dystrophy type 2Q; Epidermolysis bullosa simplex, Ogna type; Epidermolysis bullosa simplex with nail dystrophy; Epidermolysis bullosa simplex 5C, with pyloric atresia; Epidermolysis bullosa simplex 5B, with muscular dystrophy. Last evaluated: 2024-11-10. Review status: criteria provided, single submitter. Criteria: Invitae Variant Classification Sherloc (09022015). Collection method: clinical testing. Allele origin: germline.
Comment: This sequence change replaces glutamic acid, which is acidic and polar, with lysine, which is basic and polar, at codon 4426 of the PLEC protein (p.Glu4426Lys). The frequency data for this variant in the population databases is considered unreliable, as metrics indicate poor data quality at this position in the gnomAD database. This variant has not been reported in the literature in individuals affected with PLEC-related conditions. Invitae Evidence Modeling of protein sequence and biophysical properties (such as structural, functional, and spatial information, amino acid conservation, physicochemical variation, residue mobility, and thermodynamic stability) indicates that this missense variant is not expected to disrupt PLEC protein function with a negative predictive value of 80%. In summary, the available evidence is currently insufficient to determine the role of this variant in disease. Therefore, it has been classified as a Variant of Uncertain Significance.